The following is an entry in ClinVar:

NM_133510.4(RAD51B):c.110A>T (p.Glu37Val)

Gene: RAD51B (RAD51 paralog B; plus strand). Cytogenetic location: 14q24.1.
Variant type: single nucleotide variant.
Coding change: c.110A>T on transcript NM_133510.4 (MANE Select); coding-DNA position 110, A replaced by T.
Protein change: p.Glu37Val; replaces glutamic acid 37 with valine.
Molecular consequence: missense variant. On other transcripts: 5 prime UTR variant (2).
Genome position (GRCh38, 1-based): chr14:67,825,489, A>T. VCF-style: chr14-67825489-A-T. GRCh37 (hg19) VCF-style: chr14-68292206-A-T.
Other names: c.110A>T, p.Glu37Val (NM_001321809.2, NM_001321810.2, NM_001321812.1 and 6 more transcripts); c.-5A>T (NM_001321815.1); c.-346A>T (NM_001321817.2); short protein forms E37V.
Identifiers: ClinVar variation 4149800 (VCV004149800.1).

ClinVar aggregate classification (germline): Uncertain significance (1 of 4 stars; one submission).

Submission:

Ambry Genetics
Classification: Uncertain significance. Last evaluated: 2025-06-16. Review status: criteria provided, single submitter. Criteria: Ambry Variant Classification Scheme 2023. Collection method: clinical testing. Allele origin: germline.
Comment: The p.E37V variant (also known as c.110A>T), located in coding exon 2 of the RAD51B gene, results from an A to T substitution at nucleotide position 110. The glutamic acid at codon 37 is replaced by valine, an amino acid with dissimilar properties. This amino acid position is conserved. In addition, the in silico prediction for this alteration is inconclusive. Based on the available evidence, the clinical significance of this variant remains unclear.